The following is an entry in ClinVar:

NM_021871.4(FGA):c.934del (p.Ser312fs)

Gene: FGA (fibrinogen alpha chain; minus strand). Cytogenetic location: 4q31.3.
Variant type: Deletion.
Coding change: c.934del on transcript NM_021871.4 (MANE Select); coding-DNA position 934, one base deleted (A; older notation c.934delA).
Protein change: p.Ser312fs; shifts the reading frame from serine 312.
Molecular consequence: frameshift variant.
Genome position (GRCh38, 1-based): chr4:154,586,495, T deleted on the plus strand (A on the coding strand, the reverse complement: FGA is on the minus strand). VCF-style (leftmost placement, unchanged base first): chr4-154586494-CT-C. GRCh37 (hg19) VCF-style: chr4-155507646-CT-C.
Other names: c.934del, p.Ser312fs (NM_000508.5); short protein forms S312fs.
Identifiers: ClinVar variation 3349365 (VCV003349365.1).

ClinVar aggregate classification (germline): Likely pathogenic (0 of 4 stars; one submission).

Conditions:
FGA-related disorder. Also called: FGA-related disorders; FGA-related condition.

Submission:

PreventionGenetics, part of Exact Sciences
Classification: Likely pathogenic for FGA-related condition. Last evaluated: 2024-05-09. Review status: no assertion criteria provided. Collection method: clinical testing. Allele origin: germline.
Comment: The FGA c.934delA variant is predicted to result in a frameshift and premature protein termination (p.Ser312Alafs*109). This variant has been reported in the homozygous and compound heterozygous states in multiple individuals with congenital afibrinogenemia (Table 1, g.4179delA, Neerman-Arbez et al. 2001. PubMed ID: 11354637; Table 2, Tavasoli et al. 2020. PubMed ID: 32639687). This variant has not been reported in a large population database, indicating this variant is rare. Frameshift variants in FGA are expected to be pathogenic. This variant is interpreted as likely pathogenic.